The following is an entry in ClinVar:

NM_016180.5(SLC45A2):c.834C>G (p.Tyr278Ter)

Gene: SLC45A2 (solute carrier family 45 member 2; minus strand). Cytogenetic location: 5p13.2.
Variant type: single nucleotide variant.
Coding change: c.834C>G on transcript NM_016180.5 (MANE Select); coding-DNA position 834, C replaced by G.
Protein change: p.Tyr278Ter; replaces tyrosine 278 with a stop codon.
Molecular consequence: nonsense. On other transcripts: intron variant (1).
Genome position (GRCh38, 1-based): chr5:33,963,745, G>C on the plus strand (C>G on the coding strand, the complement: SLC45A2 is on the minus strand). VCF-style: chr5-33963745-G-C. GRCh37 (hg19) VCF-style: chr5-33963850-G-C.
Other names: c.834C>G, p.Tyr278Ter (NM_001012509.4); c.563-9241C>G (NM_001297417.4); c.834C>G (NM_016180.4); short protein forms Y278*.
Identifiers: ClinVar variation 286788 (VCV000286788.16), dbSNP rs116887602, ClinGen allele CA3225689.
Genomic context (GRCh38, chr5:33,963,745, plus strand): 5'-CTTTACCTGTTCAGCATGATTTTTGTTTTTTGCTCCCTGCATTGCCAGCTCTGGATTTAC[G>C]TAACCATTTTTAACTTTCTCGATAGAACCATACTCGTACATTCCATCTGATGACAATGGA-3'

ClinVar aggregate classification (germline): Pathogenic/Likely pathogenic. Review status: criteria provided, multiple submitters, no conflicts (2 of 4 stars). 6 submissions from 6 submitters: Pathogenic (5); Likely pathogenic (1). Last evaluated 2024-10-09.

Conditions:
SLC45A2-related disorder. Also called: SLC45A2-related condition.
Oculocutaneous albinism type 4 (OCA4). Also called: Albinism, oculocutaneous, type IV. Identifiers: Orphanet 79435, MedGen C1847836, MONDO:0011683, OMIM 606574.
SKIN/HAIR/EYE PIGMENTATION 5, BLACK/NONBLACK HAIR (SHEP5). Also called: SKIN/HAIR/EYE PIGMENTATION 5, DARK/FAIR SKIN; SKIN/HAIR/EYE PIGMENTATION 5, DARK/LIGHT EYES; SKIN/HAIR/EYE PIGMENTATION, VARIATION IN, 5. Identifiers: MedGen C2673584, OMIM 227240.

Allele frequency attached by ClinVar (database versions not stated): TOPMed 0.00005.

Submissions (7):

Victorian Clinical Genetics Services, Murdoch Childrens Research Institute
Classification: Pathogenic for Oculocutaneous albinism type 4. Last evaluated: 2024-10-09. Review status: criteria provided, single submitter. Criteria: ACMG Guidelines, 2015. Collection method: clinical testing. Allele origin: germline. Inheritance: Autosomal recessive inheritance. Affected: yes.
Comment: Based on the classification scheme VCGS_Germline_v1.3.4, this variant is classified as Pathogenic. Following criteria are met: 0102 - Loss of function is a known mechanism of disease in this gene and is associated with type IV oculocutaneous albinism (MIM#606574). (I) 0106 - This gene is associated with autosomal recessive disease. (I) 0201 - Variant is predicted to cause nonsense-mediated decay (NMD) and loss of protein (premature termination codon is located at least 54 nucleotides upstream of the final exon-exon junction). (SP) 0251 - This variant is heterozygous. (I) 0304 - Variant is present in gnomAD (v2) <0.01 for a recessive condition (15 heterozygotes, 0 homozygotes). (SP) 0701 - Other NMD predicted variants comparable to the one identified in this case have very strong previous evidence for pathogenicity (DECIPHER). (SP) 0802 - This variant has moderate previous evidence of pathogenicity in unrelated individuals. This variant has been classified as pathogenic or likely pathogenic by several clinical laboratories in ClinVar and has been observed along with a second SLC45A2 variant in an individual with oculocutaneous albinism (PMID: 18463683). (SP) 1201 - Heterozygous variant detected in trans with a second likely pathogenic heterozygous variant (NM_016180.4(SLC45A2):c.305G>A; p.(Arg102Gln)) in a recessive disease. (I) Legend: (SP) - Supporting pathogenic, (I) - Information, (SB) - Supporting benign

Fulgent Genetics
Classification: Pathogenic for SKIN/HAIR/EYE PIGMENTATION 5, BLACK/NONBLACK HAIR; Oculocutaneous albinism type 4. Last evaluated: 2024-06-06. Review status: criteria provided, single submitter. Criteria: ACMG Guidelines, 2015. Collection method: clinical testing. Allele origin: germline.

Labcorp Genetics (formerly Invitae), Labcorp
Classification: Pathogenic. Last evaluated: 2024-02-18. Review status: criteria provided, single submitter. Criteria: Invitae Variant Classification Sherloc (09022015). Collection method: clinical testing. Allele origin: germline.
Comment: This sequence change creates a premature translational stop signal (p.Tyr278*) in the SLC45A2 gene. It is expected to result in an absent or disrupted protein product. Loss-of-function variants in SLC45A2 are known to be pathogenic (PMID: 21458243, 26573111). This variant is present in population databases (rs116887602, gnomAD 0.01%). This premature translational stop signal has been observed in individual(s) with clinical features of ocular albinism (PMID: 18463683, 23504663). ClinVar contains an entry for this variant (Variation ID: 286788). Algorithms developed to predict the effect of sequence changes on RNA splicing suggest that this variant may disrupt the consensus splice site. For these reasons, this variant has been classified as Pathogenic.

Blueprint Genetics
Classification: Pathogenic for SLC45A2-related disorders. Last evaluated: 2023-11-02. Review status: criteria provided, single submitter. Criteria: ACMG Guidelines, 2015. Collection method: clinical testing. Allele origin: germline. Affected: yes. Observed: 5 variant alleles.

GeneDx
Classification: Likely pathogenic. Last evaluated: 2018-06-05. Review status: criteria provided, single submitter. Criteria: GeneDx Variant Classification (06012015). Collection method: clinical testing. Allele origin: germline. Affected: yes.
Comment: The Y278X variant in the SLC45A2 gene has been reported previously in a couple of patients with oculocutaneous albinism; in at least one patient, no second SLC45A2 variant was identified (Hutton et al., 2008; Simeonov et al., 2013). This variant is predicted to cause loss of normal protein function either through protein truncation or nonsense-mediated mRNA decay. The Y278X variant is observed in 15/276994 (0.005%) alleles in large population cohorts, with no homozygotes observed (Lek et al., 2016). We interpret Y278X as a likely pathogenic variant.

Eurofins Ntd Llc (ga)
Classification: Pathogenic. Last evaluated: 2016-03-31. Review status: criteria provided, single submitter. Criteria: EGL Classification Definitions 2015. Collection method: clinical testing. Allele origin: germline. Observed: 1 variant allele, 1 heterozygote.

Dr. Peter K. Rogan Lab, Western University
No classification provided (evidence only). Condition: Uveal melanoma. Review status: no classification provided. Collection method: in vitro. Allele origin: not applicable. Functional consequence: retained intron. Not counted in ClinVar's aggregate classification.

Literature cited by the submitters: PubMed 18463683 (cited by Victorian Clinical Genetics Services, Murdoch Childrens Research Institute and Labcorp Genetics (formerly Invitae), Labcorp); PubMed 21458243 (cited by Labcorp Genetics (formerly Invitae), Labcorp); PubMed 26573111 (cited by Labcorp Genetics (formerly Invitae), Labcorp); PubMed 23504663 (cited by Labcorp Genetics (formerly Invitae), Labcorp).